The following is an entry in ClinVar:

NM_001360016.2(G6PD):c.406C>T (p.Arg136Cys)

Gene: G6PD (glucose-6-phosphate dehydrogenase; minus strand). Cytogenetic location: Xq28.
Variant type: single nucleotide variant.
Coding change: c.406C>T on transcript NM_001360016.2 (MANE Select); coding-DNA position 406, C replaced by T.
Protein change: p.Arg136Cys; replaces arginine 136 with cysteine.
Molecular consequence: missense variant.
Genome position (GRCh38, 1-based): chrX:154,535,247, G>A on the plus strand (C>T on the coding strand, the complement: G6PD is on the minus strand). VCF-style: chrX-154535247-G-A. GRCh37 (hg19) VCF-style: chrX-153763462-G-A.
Other names: G6PD Valladolid; c.496C>T, p.Arg166Cys (NM_000402.4); c.406C>T, p.Arg136Cys (NM_001042351.3); c.406C>T (NM_001042351.2); short protein forms R136C, R166C.
Identifiers: ClinVar variation 1075240 (VCV001075240.50), dbSNP rs979416826, ClinGen allele CA337318060.
Genomic context (GRCh38, chrX:154,535,247, plus strand): 5'-CGTGAATGTTCTTGGTGACGGCCTCGTAGACGGTCGGGGGCAAGGCCAGGTAGAAGAGGC[G>A]GTTGGCCTGTGACCCCAGGTGGAGGGCATTCATGTGGCTGTTGAGGCGCTGGTAGGAGGC-3'
Protein context (NP_001346945.1, residues 126-146): NALHLGSQAN[Arg136Cys]LFYLALPPTV

ClinVar aggregate classification (germline): Pathogenic/Likely pathogenic. Review status: criteria provided, multiple submitters, no conflicts (2 of 4 stars). 13 submissions from 13 submitters: Pathogenic (7); Likely pathogenic (6). Last evaluated 2026-06-01.

Conditions:
G6PD-related disorders.
Malaria, susceptibility to. Identifiers: Orphanet 673, MedGen C1970028, MONDO:0021024, OMIM 611162.
G6PD-related disorder. Also called: G6PD-related condition.
Anemia, nonspherocytic hemolytic, due to G6PD deficiency (CNSHA1). Also called: ANEMIA, CONGENITAL, NONSPHEROCYTIC HEMOLYTIC, 1; Hemolytic anemia due to G6PD deficiency; Class I glucose-6-phosphate dehydrogenase deficiency; Favism, susceptibility to. Identifiers: Orphanet 466026, MedGen C2720289, MONDO:0010480, OMIM 300908.

Allele frequency attached by ClinVar (database versions not stated): gnomAD exomes 0.00001 and 0.00002; TOPMed 0.00001.
gnomAD v4.1: 13 of 1,212,022 alleles (0.0011%); highest among the groups gnomAD compares: Admixed American, 0.0065%; no homozygotes.

Submissions (13):

Women's Health and Genetics/Laboratory Corporation of America, LabCorp
Classification: Pathogenic for Anemia, nonspherocytic hemolytic, due to G6PD deficiency. Last evaluated: 2026-06-01. Review status: criteria provided, single submitter. Criteria: LabCorp Variant Classification Summary - May 2015. Collection method: clinical testing. Allele origin: germline.
Comment: Variant summary: G6PD c.496C>T (p.Arg166Cys) results in a non-conservative amino acid change in the encoded protein sequence. Algorithms developed to predict the effect of missense changes on protein structure and function all suggest that this variant is likely to be disruptive. The variant allele was found at a frequency of 2.2e-05 in 183369 control chromosomes. c.496C>T has been observed in multiple hemizygous male individuals affected with G6PD deficiency (e.g. Zarza_1997, Nuchprayoon_2008, Peng_2015, Ngo_2022). These data indicate that the variant is very likely to be associated with disease. At least one publication reports experimental evidence evaluating an impact on protein function and found the variant resulted in approximately 40% of normal activity (e.g. Gomez-Manzo_2014). The following publications have been ascertained in the context of this evaluation (PMID: 25407525, 35845714, 18046504, 25775246, 9332310). ClinVar contains an entry for this variant (Variation ID: 1075240). Based on the evidence outlined above, the variant was classified as pathogenic.

GeneDx
Classification: Likely pathogenic. Last evaluated: 2026-02-03. Review status: criteria provided, single submitter. Criteria: GeneDx Variant Classification Process June 2021. Collection method: clinical testing. Allele origin: germline.
Comment: Published functional studies suggest a damaging effect resulting in diminished catalytic efficiency compared to wild type (PMID: 25407525); In silico analysis supports that this missense variant has a deleterious effect on protein structure/function; Also known as G6PD Valladolid; This variant is associated with the following publications: (PMID: 36681081, 30045279, 22164279, 33628497, 20203002, 38533298, 38308253, 30383322, 24134566, 9332310, 36212142, 18046504, 25407525, 40583703, 40387615, 40966243, 40078033)

Labcorp Genetics (formerly Invitae), Labcorp
Classification: Pathogenic for Anemia, nonspherocytic hemolytic, due to G6PD deficiency. Last evaluated: 2026-02-03. Review status: criteria provided, single submitter. Criteria: Invitae Variant Classification Sherloc (09022015). Collection method: clinical testing. Allele origin: germline.
Comment: This sequence change replaces arginine, which is basic and polar, with cysteine, which is neutral and slightly polar, at codon 136 of the G6PD protein (p.Arg136Cys). This variant is present in population databases (no rsID available, gnomAD 0.01%). This missense change has been observed in individual(s) with G6PD deficiency (PMID: 9332310, 18046504, 22164279, 30045279). This variant is also known as G6PD Valladolid. ClinVar contains an entry for this variant (Variation ID: 1075240). Invitae Evidence Modeling of protein sequence and biophysical properties (such as structural, functional, and spatial information, amino acid conservation, physicochemical variation, residue mobility, and thermodynamic stability) indicates that this missense variant is expected to disrupt G6PD protein function with a positive predictive value of 95%. For these reasons, this variant has been classified as Pathogenic.

PreventionGenetics, part of Exact Sciences
Classification: Pathogenic for G6PD-related condition. Last evaluated: 2026-01-21. Review status: criteria provided, single submitter. Criteria: ACMG Guidelines, 2015. Collection method: clinical testing. Allele origin: germline.
Comment: The G6PD c.406C>T variant is predicted to result in the amino acid substitution p.Arg136Cys. This variant, also described as G6PD Valladolid, has been reported in multiple unrelated symptomatic individuals affected with glucose-6-phosphate dehydrogenase deficiency (Zarza et al. 1997. PubMed ID: 9332310; Shen et al. 2022. PubMed ID: 36212142; Maffi et al. 2013. PubMed ID: 24134566; Nuchprayoon et al. 2007. PubMed ID: 18046504; Chen et al. 2018. PubMed ID: 30045279; Kim et al. 2011. PubMed ID: 22164279). This variant is reported in 0.011% of alleles in individuals of Latino descent in gnomAD. Based on the available evidence, this variant is interpreted as pathogenic.

Clinical Genetics Laboratory, Skane University Hospital Lund
Classification: Pathogenic. Last evaluated: 2023-11-24. Review status: criteria provided, single submitter. Criteria: ACMG Guidelines, 2015. Collection method: clinical testing. Allele origin: germline. Affected: yes.

Baylor Genetics
Classification: Pathogenic for Malaria, susceptibility to. Last evaluated: 2023-10-09. Review status: criteria provided, single submitter. Criteria: ACMG Guidelines, 2015. Collection method: clinical testing. Allele origin: unknown.

ARUP Laboratories, Molecular Genetics and Genomics, ARUP Laboratories
Classification: Likely pathogenic. Last evaluated: 2023-03-29. Review status: criteria provided, single submitter. Criteria: ARUP Molecular Germline Variant Investigation Process 2024. Collection method: clinical testing. Allele origin: germline.
Comment: The G6PD c.406C>T; p.Arg136Cys variant (rs979416826), also known as G6PD Valladolid, is reported in the literature in multiple individuals affected with G6PD deficiency and hemolytic anemia (Chen 2018, Kim 2011, Nuchprayoon 2008, Vaca 2003, Zarza 1997). This variant has been reported as a class II variant (Vaca 2003, Zarza 1997) but has also been reported in a hemizygous individual with G6PD enzyme activity consistent with a class III variant (Kim 2011). This variant is also reported in ClinVar (Variation ID: 1075240). This variant is found in the general population with an overall allele frequency of 0.002% (4/183369 alleles, including 2 hemizygotes) in the Genome Aggregation Database. The arginine at codon 136 is highly conserved, and computational analyses predict that this variant is deleterious (REVEL: 0.945). Based on available information, this variant is considered to be likely pathogenic. References: Chen Y et al. Mutation of glucose-6-phosphate dehydrogenase deficiency in Chinese Han children in eastern Fujian. Medicine (Baltimore). 2018 Jul;97(30):e11553. PMID: 30045279. Kim S et al. Performance of the CareStart™ G6PD deficiency screening test, a point-of-care diagnostic for primaquine therapy screening. PLoS One. 2011;6(12):e28357. PMID: 22164279. Nuchprayoon I et al. Glucose-6-phosphate dehydrogenase mutations in Mon and Burmese of southern Myanmar. J Hum Genet. 2008;53(1):48-54. PMID: 18046504. Vaca G et al. Glucose-6-phosphate dehydrogenase (G-6-PD) mutations in Mexico: four new G-6-PD variants. Blood Cells Mol Dis. 2003 Jul-Aug;31(1):112-20. PMID: 12850494. Zarza R et al. Two new mutations of the glucose-6-phosphate dehydrogenase (G6PD) gene associated with haemolytic anaemia: clinical, biochemical and molecular relationships. Br J Haematol. 1997 Sep;98(3):578-82. PMID: 9332310.

CeGaT Center for Human Genetics Tuebingen
Classification: Likely pathogenic. Last evaluated: 2022-12-01. Review status: criteria provided, single submitter. Criteria: CeGaT Center For Human Genetics Tuebingen Variant Classification Criteria Version 2. Collection method: clinical testing. Allele origin: germline. Affected: yes. Observed: 2 variant alleles.
Comment: G6PD: PM2, PS4:Moderate, PP4, PS3:Supporting

Dunham Lab, University of Washington
Classification: Pathogenic for Anemia, nonspherocytic hemolytic, due to G6PD deficiency. Last evaluated: 2022-08-12. Review status: criteria provided, single submitter. Criteria: Bayesian ACMG Guidelines, 2018. Collection method: curation. Allele origin: unknown. Affected: yes.
Comment: Variant found in unrelated hemizygotes with deficiency and anemia (PS4_M, PP4). Decreased activity in red blood cells (7-30%) (PS3). In silico analyses predict disruption of function (PP3). Below expected carrier frequency in gnomAD (PM2). Post_P 0.994 (odds of pathogenicity 1517, Prior_P 0.1).

Mendelics
Classification: Pathogenic for Anemia, nonspherocytic hemolytic, due to G6PD deficiency. Last evaluated: 2022-05-04. Review status: criteria provided, single submitter. Criteria: Mendelics Assertion Criteria 2019. Collection method: clinical testing. Allele origin: germline.

Revvity Omics, Revvity
Classification: Likely pathogenic for Anemia, nonspherocytic hemolytic, due to G6PD deficiency. Last evaluated: 2022-02-01. Review status: criteria provided, single submitter. Criteria: ACMG Guidelines, 2015. Collection method: clinical testing. Allele origin: germline.

Blueprint Genetics
Classification: Likely pathogenic for G6PD-related disorders. Last evaluated: 2021-07-27. Review status: criteria provided, single submitter. Criteria: ACMG Guidelines, 2015. Collection method: clinical testing. Allele origin: germline. Affected: yes. Observed: 3 variant alleles.

Juno Genomics, Hangzhou Juno Genomics, Inc
Classification: Likely pathogenic for Anemia, nonspherocytic hemolytic, due to G6PD deficiency. Review status: criteria provided, single submitter. Criteria: ACMG Guidelines, 2015. Collection method: clinical testing. Allele origin: germline.
Comment: Absent from controls (or at extremely low frequency if recessive) in Genome Aggregation Database.;Multiple lines of computational evidence support a deleterious effect on the gene or gene product.;The prevalence of the variant in affected individuals is significantly increased compared to the prevalence in controls.;Patient's phenotype or family history is highly specific for a disease with a single genetic etiology.

Literature cited by the submitters: PubMed 35845714 (cited by Women's Health and Genetics/Laboratory Corporation of America, LabCorp); PubMed 25407525 (cited by Women's Health and Genetics/Laboratory Corporation of America, LabCorp); PubMed 18046504 (cited by 3 submitters); PubMed 25775246 (cited by Women's Health and Genetics/Laboratory Corporation of America, LabCorp); PubMed 9332310 (cited by 3 submitters); PubMed 22164279 (cited by Labcorp Genetics (formerly Invitae), Labcorp and Dunham Lab, University of Washington); PubMed 30045279 (cited by Labcorp Genetics (formerly Invitae), Labcorp and Dunham Lab, University of Washington); PubMed 24134566 (cited by Dunham Lab, University of Washington); PubMed 20203002 (cited by Dunham Lab, University of Washington).